The following is an entry in ClinVar:

ClinVar aggregate classification (germline): Uncertain significance (1 of 4 stars; one submission).

Conditions:
Neurofibromatosis, type 1 (NF1). Also called: Peripheral type neurofibromatosis; NEUROFIBROMATOSIS, TYPE I, SOMATIC; Neurofibromatosis, type I; VON RECKLINGHAUSEN DISEASE. Identifiers: Orphanet 636, MedGen C0027831, MONDO:0018975, OMIM 162200. Disease mechanism: loss of function.

Submission:

Labcorp Genetics (formerly Invitae), Labcorp
Classification: Uncertain significance for Neurofibromatosis, type 1. Last evaluated: 2022-04-28. Review status: criteria provided, single submitter. Criteria: Invitae Variant Classification Sherloc (09022015). Collection method: clinical testing. Allele origin: germline.
Comment: In summary, the available evidence is currently insufficient to determine the role of this variant in disease. Therefore, it has been classified as a Variant of Uncertain Significance. Experimental studies and prediction algorithms are not available or were not evaluated, and the functional significance of this variant is currently unknown. This variant has been observed in individual(s) with clinical features of neurofibromatosis type 1 (Invitae). This variant is not present in population databases (gnomAD no frequency). This variant, c.5220_5237del, results in the deletion of 6 amino acid(s) of the NF1 protein (p.Val1741_Ala1746del), but otherwise preserves the integrity of the reading frame.

NM_001042492.3(NF1):c.5283_5300del (p.Val1762_Ala1767del)

Gene: NF1 (neurofibromin 1; plus strand). Cytogenetic location: 17q11.2.
Variant type: Deletion.
Coding change: c.5283_5300del on transcript NM_001042492.3 (MANE Select); coding-DNA positions 5283 to 5300, 18 bases deleted (TGTCCAAGTAACTTCAGC).
Protein change: p.Val1762_Ala1767del.
Molecular consequence: inframe deletion. On other transcripts: inframe indel (1).
Genome position (GRCh38, 1-based): chr17:31,327,513-31,327,530, TGTCCAAGTAACTTCAGC deleted; deleting any 18 consecutive bases within chr17:31,327,511-31,327,530 gives the same sequence; the c. name uses the placement nearest the transcript's 3' end. VCF-style (leftmost placement, unchanged base first): chr17-31327510-TGCTGTCCAAGTAACTTCA-T. GRCh37 (hg19) VCF-style: chr17-29654528-TGCTGTCCAAGTAACTTCA-T.
Other names: c.5220_5237del18, p.Val1741_Ala1746del (NM_000267.4).
Identifiers: ClinVar variation 2131071 (VCV002131071.4), dbSNP rs2508705234, ClinGen allele CA2580093241.